The following is an entry in ClinVar:

NM_001122659.3(EDNRB):c.1239C>G (p.Ser413=)

Genes: EDNRB (endothelin receptor type B; minus strand), EDNRB-AS1 (EDNRB antisense RNA 1; plus strand). Cytogenetic location: 13q22.3.
Variant type: single nucleotide variant.
Coding change: c.1239C>G on transcript NM_001122659.3 (MANE Select); coding-DNA position 1239, C replaced by G.
Protein change: p.Ser413=; no amino-acid change (serine 413 retained).
Molecular consequence: synonymous variant. On other transcripts: intron variant (1).
Genome position (GRCh38, 1-based): chr13:77,898,290, G>C on the plus strand (C>G on the coding strand, the complement: EDNRB is on the minus strand). VCF-style: chr13-77898290-G-C. GRCh37 (hg19) VCF-style: chr13-78472425-G-C.
Other names: c.1239C>G, p.Ser413= (NM_000115.5); c.1509C>G, p.Ser503= (NM_001201397.2); c.1194+1569C>G (NM_003991.4).
Identifiers: ClinVar variation 255140 (VCV000255140.44), dbSNP rs139317762, ClinGen allele CA7012155.

ClinVar aggregate classification (germline): Conflicting classifications of pathogenicity. Review status: criteria provided, conflicting classifications (1 of 4 stars). 7 submissions from 7 submitters: Uncertain significance (1); Benign (3); Likely benign (3). Last evaluated 2026-01-20.

Conditions:
Hirschsprung disease, susceptibility to, 2. Identifiers: Orphanet 388, MedGen C1838564, MONDO:0010833, OMIM 600155.

Allele frequency attached by ClinVar (database versions not stated): 1000 Genomes Project 30x 0.00125; 1000 Genomes Project 0.00140; TOPMed 0.00188; ExAC 0.00200; gnomAD exomes 0.00203; ESP Exome Variant Server 0.00215.
gnomAD v4.1: 3,047 of 1,612,108 alleles (0.19%); highest among the groups gnomAD compares: Middle Eastern, 0.91%; 9 homozygotes.

Submissions (7):

Labcorp Genetics (formerly Invitae), Labcorp
Classification: Benign. Last evaluated: 2026-01-20. Review status: criteria provided, single submitter. Criteria: Invitae Variant Classification Sherloc (09022015). Collection method: clinical testing. Allele origin: germline.

CeGaT Center for Human Genetics Tuebingen
Classification: Benign. Last evaluated: 2025-06-01. Review status: criteria provided, single submitter. Criteria: CeGaT Center For Human Genetics Tuebingen Variant Classification Criteria Version 2. Collection method: clinical testing. Allele origin: germline. Affected: yes. Observed: 5 variant alleles.
Comment: EDNRB: BP4, BS1, BS2

Blueprint Genetics
Classification: Likely benign. Last evaluated: 2024-11-26. Review status: criteria provided, single submitter. Criteria: ACMG Guidelines, 2015. Collection method: clinical testing. Allele origin: germline.

GeneDx
Classification: Likely benign. Last evaluated: 2021-04-16. Review status: criteria provided, single submitter. Criteria: GeneDx Variant Classification Process June 2021. Collection method: clinical testing. Allele origin: germline. Affected: yes.

Illumina Laboratory Services, Illumina
Classification: Uncertain significance for Hirschsprung disease, susceptibility to, 2. Last evaluated: 2018-01-13. Review status: criteria provided, single submitter. Criteria: ICSL Variant Classification Criteria 13 December 2019. Collection method: clinical testing. Allele origin: germline.

Laboratory for Molecular Medicine, Mass General Brigham Personalized Medicine
Classification: Benign. Last evaluated: 2014-11-24. Review status: criteria provided, single submitter. Criteria: LMM Criteria. Collection method: clinical testing. Allele origin: germline. Observed: 4 variant alleles.
Comment: Ser503Ser in exon 8 of EDNRB: This variant is not expected to have clinical sign ificance because it does not alter an amino acid residue and is not located with in the splice consensus sequence. It has been identified in 0.3% (27/8600) of Eu ropean American chromosomes from a broad population by the NHLBI Exome Sequencin g Project.

PreventionGenetics, part of Exact Sciences
Classification: Likely benign. Review status: criteria provided, single submitter. Criteria: ACMG Guidelines, 2015. Collection method: clinical testing. Allele origin: germline.